The following is an entry in ClinVar:

ClinVar aggregate classification (germline): Pathogenic (1 of 4 stars; one submission).

Conditions:
Hereditary factor XI deficiency disease. Also called: PLASMA THROMBOPLASTIN ANTECEDENT DEFICIENCY; PTA DEFICIENCY; ROSENTHAL SYNDROME; Congenital factor XI deficiency. Identifiers: Orphanet 329, MedGen C0015523, MeSH D005173, MONDO:0012897, OMIM 612416.

Submission:

Myriad Genetics, Inc.
Classification: Pathogenic for Hereditary factor XI deficiency disease. Last evaluated: 2024-05-14. Review status: criteria provided, single submitter. Criteria: Myriad Autosomal Dominant, Autosomal Recessive and X-Linked Classification Criteria (2023). Collection method: clinical testing. Allele origin: unknown.
Comment: NM_000128.3(F11):c.1168_1169ins7(G390Vfs*11) is expected to be pathogenic in the context of factor XI deficiency. This variant is predicted to lead to an abnormal or absent protein product due to the creation of a premature termination codon in F11, a gene where loss-of-function variants are known to be pathogenic. Please note: this variant was assessed in the context of healthy population screening.

NM_000128.4(F11):c.1168_1169insTGCTGCT (p.Gly390fs)

Gene: F11 (coagulation factor XI; plus strand). Cytogenetic location: 4q35.2.
Variant type: Insertion.
Coding change: c.1168_1169insTGCTGCT on transcript NM_000128.4 (MANE Select); coding-DNA positions 1168 to 1169, TGCTGCT inserted.
Protein change: p.Gly390fs; shifts the reading frame from glycine 390.
Molecular consequence: frameshift variant.
Genome position: GRCh38 VCF-style: chr4-186284124-G-GTGCTGCT. GRCh37 (hg19) VCF-style: chr4-187205278-G-GTGCTGCT.
Other names: c.1120_1121insTGCTGCT, p.Gly374fs (NM_001440590.1, NM_001440596.1); c.1168_1169insTGCTGCT, p.Gly390fs (NM_001440593.1); c.898_899insTGCTGCT, p.Gly300fs (NM_001440605.1, NM_001440607.1); c.850_851insTGCTGCT, p.Gly284fs (NM_001440606.1, NM_001440608.1); short protein forms G284fs, G300fs, G374fs, G390fs.
Identifiers: ClinVar variation 5016406 (VCV005016406.1).
Genomic context (GRCh38, chr4:186,284,124, plus strand): 5'-GCTGCTCATCACAATGCTTCTGTTGCAGAGTGTACCACCAAAATCAAGCCCAGGATCGTT[G>GTGCTGCT]GAGGAACTGCGTCTGTTCGTGGTGAGTGGCCGTGGCAGGTGACCCTGCACACAACCTCAC-3'